The following is an entry in ClinVar:

ClinVar aggregate classification (germline): Pathogenic (1 of 4 stars; one submission).

Submission:

Labcorp Genetics (formerly Invitae), Labcorp
Classification: Pathogenic. Last evaluated: 2025-01-22. Review status: criteria provided, single submitter. Criteria: Invitae Variant Classification Sherloc (09022015). Collection method: clinical testing. Allele origin: germline.
Comment: This sequence change creates a premature translational stop signal (p.Asp57Metfs*7) in the MOCS2B gene. It is expected to result in an absent or disrupted protein product. Loss-of-function variants in MOCS2B are known to be pathogenic (PMID: 21031595). This variant is not present in population databases (gnomAD no frequency). This variant has not been reported in the literature in individuals affected with MOCS2B-related conditions. ClinVar contains an entry for this variant (Variation ID: 2875294). For these reasons, this variant has been classified as Pathogenic.

Literature cited by the submitters: PubMed 21031595.

NM_004531.5(MOCS2):c.168del (p.Asp57fs)

Gene: MOCS2 (molybdenum cofactor synthesis 2; minus strand). Cytogenetic location: 5q11.2.
Variant type: Deletion.
Coding change: c.168del on transcript NM_004531.5 (MANE Select); coding-DNA position 168, one base deleted (A; older notation c.168delA).
Protein change: p.Asp57fs; shifts the reading frame from aspartic acid 57.
Molecular consequence: frameshift variant. On other transcripts: 3 prime UTR variant (1).
Genome position (GRCh38, 1-based): chr5:53,102,155, T deleted on the plus strand (A on the coding strand, the reverse complement: MOCS2 is on the minus strand). VCF-style (leftmost placement, unchanged base first): chr5-53102154-CT-C. GRCh37 (hg19) VCF-style: chr5-52397984-CT-C.
Other names: c.*88del (NM_176806.4); c.168delA, p.Asp57Metfs (NM_183418.1); short protein forms D57fs.
Identifiers: ClinVar variation 2875294 (VCV002875294.3), dbSNP rs2478601399, ClinGen allele CA2739274713.